The following is an entry in ClinVar:

ClinVar aggregate classification (germline): Uncertain significance (1 of 4 stars; one submission).

Conditions:
Transcobalamin II deficiency (TCN2D). Also called: TC II DEFICIENCY; TCN2 DEFICIENCY; Transcolabamin II deficiency. Identifiers: Orphanet 859, MedGen C0342701, MONDO:0010149, OMIM 275350.

Submission:

Labcorp Genetics (formerly Invitae), Labcorp
Classification: Uncertain significance for Transcobalamin II deficiency. Last evaluated: 2022-05-04. Review status: criteria provided, single submitter. Criteria: Invitae Variant Classification Sherloc (09022015). Collection method: clinical testing. Allele origin: germline.
Comment: In summary, the available evidence is currently insufficient to determine the role of this variant in disease. Therefore, it has been classified as a Variant of Uncertain Significance. This sequence change replaces serine, which is neutral and polar, with threonine, which is neutral and polar, at codon 75 of the TCN2 protein (p.Ser75Thr). This variant is not present in population databases (gnomAD no frequency). This variant has not been reported in the literature in individuals affected with TCN2-related conditions. Algorithms developed to predict the effect of missense changes on protein structure and function (SIFT, PolyPhen-2, Align-GVGD) all suggest that this variant is likely to be tolerated.

NM_000355.4(TCN2):c.224G>C (p.Ser75Thr)

Gene: TCN2 (transcobalamin 2; plus strand). Cytogenetic location: 22q12.2.
Variant type: single nucleotide variant.
Coding change: c.224G>C on transcript NM_000355.4 (MANE Select); coding-DNA position 224, G replaced by C.
Protein change: p.Ser75Thr; replaces serine 75 with threonine.
Molecular consequence: missense variant.
Genome position (GRCh38, 1-based): chr22:30,611,030, G>C. VCF-style: chr22-30611030-G-C. GRCh37 (hg19) VCF-style: chr22-31007017-G-C.
Other names: c.224G>C, p.Ser75Thr (NM_001184726.2); short protein forms S75T.
Identifiers: ClinVar variation 2133609 (VCV002133609.4), dbSNP rs2517900395, ClinGen allele CA411206430.